The following is an entry in ClinVar:

NC_000012.11:g.(?_21294509)_(21652504_?)dup

Genes: SLCO1B1 (solute carrier organic anion transporter family member 1B1; plus strand), IAPP (islet amyloid polypeptide; plus strand), PYROXD1 (pyridine nucleotide-disulphide oxidoreductase domain 1; plus strand), RECQL (RecQ like helicase; minus strand), SLCO1A2 (solute carrier organic anion transporter family member 1A2; minus strand). Cytogenetic location: 12p12.2-12.1.
Variant type: Duplication.
Identifiers: ClinVar variation 1472348 (VCV001472348.1).

ClinVar aggregate classification (germline): Uncertain significance (1 of 4 stars; one submission).

Submission:

Labcorp Genetics (formerly Invitae), Labcorp
Classification: Uncertain significance. Last evaluated: 2021-06-22. Review status: criteria provided, single submitter. Criteria: Invitae Variant Classification Sherloc (09022015). Collection method: clinical testing. Allele origin: germline.
Comment: This variant results in a copy number gain of the genomic region encompassing the full coding sequence of the RECQL gene. The boundaries of this event are unknown as they extend beyond the assayed region for this gene and therefore may encompass additional genes. As the precise location of this event is unknown, it may be in tandem or it may be located elsewhere in the genome. This variant has not been reported in the literature in individuals with RECQL-related conditions. Experimental studies and prediction algorithms are not available or were not evaluated for this variant, and the functional significance of this variant is currently unknown. In summary, the available evidence is currently insufficient to determine the role of this variant in disease. Therefore, it has been classified as a Variant of Uncertain Significance.